The following is an entry in ClinVar:

NM_017534.6(MYH2):c.1005A>G (p.Thr335=)

Genes: MYH2 (myosin heavy chain 2; minus strand), MYHAS (myosin heavy chain gene cluster antisense RNA; plus strand). Cytogenetic location: 17p13.1.
Variant type: single nucleotide variant.
Coding change: c.1005A>G on transcript NM_017534.6 (MANE Select); coding-DNA position 1005, A replaced by G.
Protein change: p.Thr335=; no amino-acid change (threonine 335 retained).
Molecular consequence: synonymous variant.
Genome position (GRCh38, 1-based): chr17:10,540,597, T>C on the plus strand (A>G on the coding strand, the complement: MYH2 is on the minus strand). VCF-style: chr17-10540597-T-C. GRCh37 (hg19) VCF-style: chr17-10443914-T-C.
Other names: c.1005A>G, p.Thr335= (NM_001100112.2).
Identifiers: ClinVar variation 1662961 (VCV001662961.35), dbSNP rs148584222, ClinGen allele CA8391481.

ClinVar aggregate classification (germline): Likely benign. Review status: criteria provided, multiple submitters, no conflicts (2 of 4 stars). 2 submissions from 2 submitters: Likely benign (2). Last evaluated 2025-03-26.

Conditions:
Myopathy, proximal, and ophthalmoplegia (CMYO6). Also called: MYOPATHY WITH CONGENITAL JOINT CONTRACTURES, OPHTHALMOPLEGIA, AND RIMMED VACUOLES; INCLUSION BODY MYOPATHY 3, AUTOSOMAL DOMINANT; CONGENITAL MYOPATHY 6 WITH OPHTHALMOPLEGIA. Identifiers: Orphanet 363677, Orphanet 79091, MedGen C1854106, MONDO:0011577, OMIM 605637.

Allele frequency attached by ClinVar (database versions not stated): gnomAD 0.00001 and 0.00003; ExAC 0.00004; gnomAD exomes 0.00005 and 0.00011; TOPMed 0.00005; ESP Exome Variant Server 0.00015.
gnomAD v4.1: 160 of 1,604,970 alleles (0.01%); highest among the groups gnomAD compares: Non-Finnish European, 0.013%; no homozygotes.

Submissions (2):

Labcorp Genetics (formerly Invitae), Labcorp
Classification: Likely benign for Myopathy, proximal, and ophthalmoplegia. Last evaluated: 2025-03-26. Review status: criteria provided, single submitter. Criteria: Invitae Variant Classification Sherloc (09022015). Collection method: clinical testing. Allele origin: germline.

CeGaT Center for Human Genetics Tuebingen
Classification: Likely benign. Last evaluated: 2023-04-01. Review status: criteria provided, single submitter. Criteria: CeGaT Center For Human Genetics Tuebingen Variant Classification Criteria Version 2. Collection method: clinical testing. Allele origin: germline. Affected: yes. Observed: 1 variant allele.
Comment: MYH2: BP4, BP7